The following is an entry in ClinVar:

ClinVar aggregate classification (germline): Uncertain significance (0 of 4 stars; one submission).

Conditions:
C4BPA-related disorder. Also called: C4BPA-related condition.

Allele frequency attached by ClinVar (database versions not stated): TOPMed 0.00001.
gnomAD v4.1: 1 of 1,613,784 alleles (0.000062%); no homozygotes.

Submission:

PreventionGenetics, part of Exact Sciences
Classification: Uncertain significance for C4BPA-related condition. Last evaluated: 2023-11-08. Review status: no assertion criteria provided. Collection method: clinical testing. Allele origin: germline.
Comment: The C4BPA c.1154A>G variant is predicted to result in the amino acid substitution p.Asn385Ser. To our knowledge, this variant has not been reported in the literature or in a large population database, indicating this variant is rare. At this time, the clinical significance of this variant is uncertain due to the absence of conclusive functional and genetic evidence.

NM_000715.4(C4BPA):c.1154A>G (p.Asn385Ser)

Gene: C4BPA (complement component 4 binding protein alpha; plus strand). Cytogenetic location: 1q32.2.
Variant type: single nucleotide variant.
Coding change: c.1154A>G on transcript NM_000715.4 (MANE Select); coding-DNA position 1154, A replaced by G.
Protein change: p.Asn385Ser; replaces asparagine 385 with serine.
Molecular consequence: missense variant.
Genome position (GRCh38, 1-based): chr1:207,134,473, A>G. VCF-style: chr1-207134473-A-G. GRCh37 (hg19) VCF-style: chr1-207307818-A-G.
Other names: short protein forms N385S.
Identifiers: ClinVar variation 3052147 (VCV003052147.2), dbSNP rs1486379393, ClinGen allele CA344509198.